The following is an entry in ClinVar:

ClinVar aggregate classification (germline): Uncertain significance (1 of 4 stars; one submission).

Conditions:
Orthostatic hypotension 1 (ORTHYP1). Also called: NORADRENALINE DEFICIENCY; NOREPINEPHRINE DEFICIENCY; Dopamine beta-hydroxylase deficiency; Orthostatic hypotension 1, due to DBH deficiency. Identifiers: Orphanet 230, MedGen C4746777, MONDO:0009123, OMIM 223360.

Allele frequency attached by ClinVar (database versions not stated): gnomAD 0.00001; TOPMed 0.00002; ExAC 0.00003.
gnomAD v4.1: 18 of 1,600,852 alleles (0.0011%); highest among the groups gnomAD compares: Middle Eastern, 0.017%; no homozygotes.

Submission:

Labcorp Genetics (formerly Invitae), Labcorp
Classification: Uncertain significance for Orthostatic hypotension 1. Last evaluated: 2024-10-29. Review status: criteria provided, single submitter. Criteria: Invitae Variant Classification Sherloc (09022015). Collection method: clinical testing. Allele origin: germline.
Comment: This sequence change affects codon 113 of the DBH mRNA. It is a 'silent' change, meaning that it does not change the encoded amino acid sequence of the DBH protein. This variant also falls at the last nucleotide of exon 1, which is part of the consensus splice site for this exon. This variant is present in population databases (rs747816048, gnomAD 0.005%). This variant has not been reported in the literature in individuals affected with DBH-related conditions. ClinVar contains an entry for this variant (Variation ID: 1449733). Variants that disrupt the consensus splice site are a relatively common cause of aberrant splicing (PMID: 17576681, 9536098). Algorithms developed to predict the effect of sequence changes on RNA splicing suggest that this variant is not likely to affect RNA splicing. In summary, the available evidence is currently insufficient to determine the role of this variant in disease. Therefore, it has been classified as a Variant of Uncertain Significance.

Literature cited by the submitters: PubMed 17576681; PubMed 9536098.

NM_000787.4(DBH):c.339G>A (p.Ala113=)

Gene: DBH (dopamine beta-hydroxylase; plus strand). Cytogenetic location: 9q34.2.
Variant type: single nucleotide variant.
Coding change: c.339G>A on transcript NM_000787.4 (MANE Select); coding-DNA position 339, G replaced by A.
Protein change: p.Ala113=; no amino-acid change (alanine 113 retained).
Molecular consequence: synonymous variant.
Genome position (GRCh38, 1-based): chr9:133,636,710, G>A. VCF-style: chr9-133636710-G-A. GRCh37 (hg19) VCF-style: chr9-136501832-G-A.
Identifiers: ClinVar variation 1449733 (VCV001449733.4), dbSNP rs747816048, ClinGen allele CA5313015.